The following is an entry in ClinVar:

NM_203446.3(SYNJ1):c.3601C>G (p.Arg1201Gly)

Gene: SYNJ1 (synaptojanin 1; minus strand). Cytogenetic location: 21q22.11.
Variant type: single nucleotide variant.
Coding change: c.3601C>G on transcript NM_203446.3 (MANE Select); coding-DNA position 3601, C replaced by G.
Protein change: p.Arg1201Gly; replaces arginine 1201 with glycine.
Molecular consequence: missense variant.
Genome position (GRCh38, 1-based): chr21:32,639,767, G>C on the plus strand (C>G on the coding strand, the complement: SYNJ1 is on the minus strand). VCF-style: chr21-32639767-G-C. GRCh37 (hg19) VCF-style: chr21-34012077-G-C.
Other names: c.3553C>G, p.Arg1185Gly (NM_001160302.2); c.3460C>G, p.Arg1154Gly (NM_001160306.2); c.3718C>G, p.Arg1240Gly (NM_003895.4); short protein forms R1154G, R1201G, R1185G, R1240G.
Identifiers: ClinVar variation 837455 (VCV000837455.10), dbSNP rs114994257, ClinGen allele CA410087998.

ClinVar aggregate classification (germline): Uncertain significance (1 of 4 stars; one submission).

Conditions:
Developmental and epileptic encephalopathy, 53. Also called: Epileptic encephalopathy, early infantile, 53. Identifiers: MedGen C4479313, MONDO:0033362, OMIM 617389.
Early-onset Parkinson disease 20. Also called: PARKINSON DISEASE 20, AUTOSOMAL RECESSIVE EARLY-ONSET. Identifiers: Orphanet 391411, MedGen C3809824, MONDO:0014233, OMIM 615530.

Submission:

Labcorp Genetics (formerly Invitae), Labcorp
Classification: Uncertain significance for Developmental and epileptic encephalopathy, 53; Early-onset Parkinson disease 20. Last evaluated: 2020-01-21. Review status: criteria provided, single submitter. Criteria: Invitae Variant Classification Sherloc (09022015). Collection method: clinical testing. Allele origin: germline.
Comment: In summary, the available evidence is currently insufficient to determine the role of this variant in disease. Therefore, it has been classified as a Variant of Uncertain Significance. Algorithms developed to predict the effect of missense changes on protein structure and function are either unavailable or do not agree on the potential impact of this missense change (SIFT: "Deleterious"; PolyPhen-2: "Probably Damaging"; Align-GVGD: "Class C0"). This variant has not been reported in the literature in individuals with SYNJ1-related conditions. This variant is not present in population databases (ExAC no frequency). This sequence change replaces arginine with glycine at codon 1240 of the SYNJ1 protein (p.Arg1240Gly). The arginine residue is moderately conserved and there is a moderate physicochemical difference between arginine and glycine.